The following is an entry in ClinVar:

ClinVar aggregate classification (germline): Uncertain significance (1 of 4 stars; one submission).

Submission:

GeneDx
Classification: Uncertain significance. Last evaluated: 2025-03-13. Review status: criteria provided, single submitter. Criteria: GeneDx Variant Classification Process June 2021. Collection method: clinical testing. Allele origin: germline.
Comment: Not observed at significant frequency in large population cohorts (gnomAD); In silico analysis supports that this missense variant has a deleterious effect on protein structure/function; Has not been previously published as pathogenic or benign to our knowledge

NM_001127222.2(CACNA1A):c.2345G>A (p.Arg782Gln)

Gene: CACNA1A (calcium voltage-gated channel subunit alpha1 A; minus strand). Cytogenetic location: 19p13.13.
Variant type: single nucleotide variant.
Coding change: c.2345G>A on transcript NM_001127222.2 (MANE Select); coding-DNA position 2345, G replaced by A.
Protein change: p.Arg782Gln; replaces arginine 782 with glutamine.
Molecular consequence: missense variant.
Genome position (GRCh38, 1-based): chr19:13,299,288, C>T on the plus strand (G>A on the coding strand, the complement: CACNA1A is on the minus strand). VCF-style: chr19-13299288-C-T. GRCh37 (hg19) VCF-style: chr19-13410102-C-T.
Other names: c.2357G>A, p.Arg786Gln (NM_000068.4, NM_023035.3); c.2348G>A, p.Arg783Gln (NM_001127221.2, NM_001174080.2); short protein forms R782Q, R783Q, R786Q.
Identifiers: ClinVar variation 3361744 (VCV003361744.2).
Genomic context (GRCh38, chr19:13,299,288, plus strand): 5'-CGCTCGTCCGGGTCCATTTCGTTATACAGGGCCTCCCGGCTGGCCAGCAAGTTCTGCTTT[C>T]GCATCTCACTGGTCCGCTGCTCCCACACGGACTTGGCTGGCTTTTGATTCTTCTGTTGCT-3'
Protein context (NP_001120694.1, residues 772-792): SVWEQRTSEM[Arg782Gln]KQNLLASREA